The following is an entry in ClinVar:

NM_004329.3(BMPR1A):c.1428C>A (p.Val476=)

Gene: BMPR1A (bone morphogenetic protein receptor type 1A; plus strand). Cytogenetic location: 10q23.2.
Variant type: single nucleotide variant.
Coding change: c.1428C>A on transcript NM_004329.3 (MANE Select); coding-DNA position 1428, C replaced by A.
Protein change: p.Val476=; no amino-acid change (valine 476 retained).
Molecular consequence: synonymous variant.
Genome position (GRCh38, 1-based): chr10:86,923,461, C>A. VCF-style: chr10-86923461-C-A. GRCh37 (hg19) VCF-style: chr10-88683218-C-A.
Identifiers: ClinVar variation 704131 (VCV000704131.12), dbSNP rs1589293466, ClinGen allele CA470308613.

ClinVar aggregate classification (germline): Benign/Likely benign. Review status: criteria provided, multiple submitters, no conflicts (2 of 4 stars). 3 submissions from 3 submitters: Benign (1); Likely benign (2). Last evaluated 2025-05-02.

Conditions:
Juvenile polyposis syndrome (JPS). Identifiers: Orphanet 2929, MedGen C0345893, MONDO:0017380, OMIM 174900.
Hereditary cancer-predisposing syndrome. Also called: Tumor predisposition; Hereditary neoplastic syndrome; Neoplastic Syndromes, Hereditary; Hereditary Cancer Syndrome. Identifiers: Orphanet 140162, MedGen C0027672, MeSH D009386, MONDO:0015356.

Submissions (3):

Ambry Genetics
Classification: Likely benign for Hereditary cancer-predisposing syndrome. Last evaluated: 2025-05-02. Review status: criteria provided, single submitter. Criteria: Ambry Variant Classification Scheme 2023. Collection method: clinical testing. Allele origin: germline.

Myriad Genetics, Inc.
Classification: Benign for Juvenile polyposis syndrome. Last evaluated: 2024-08-08. Review status: criteria provided, single submitter. Criteria: Myriad Autosomal Dominant, Autosomal Recessive and X-Linked Classification Criteria (2023). Collection method: clinical testing. Allele origin: unknown.
Comment: This variant is considered benign. This variant is a silent/synonymous amino acid change and it is not expected to impact splicing.

Labcorp Genetics (formerly Invitae), Labcorp
Classification: Likely benign for Juvenile polyposis syndrome. Last evaluated: 2021-01-10. Review status: criteria provided, single submitter. Criteria: Invitae Variant Classification Sherloc (09022015). Collection method: clinical testing. Allele origin: germline.